The following is an entry in ClinVar:

NM_018941.4(CLN8):c.266C>G (p.Pro89Arg)

Gene: CLN8 (CLN8 transmembrane ER and ERGIC protein; plus strand). Cytogenetic location: 8p23.3.
Variant type: single nucleotide variant.
Coding change: c.266C>G on transcript NM_018941.4 (MANE Select); coding-DNA position 266, C replaced by G.
Protein change: p.Pro89Arg; replaces proline 89 with arginine.
Molecular consequence: missense variant.
Genome position (GRCh38, 1-based): chr8:1,771,320, C>G. VCF-style: chr8-1771320-C-G. GRCh37 (hg19) VCF-style: chr8-1719486-C-G.
Other names: short protein forms P89R.
Identifiers: ClinVar variation 450951 (VCV000450951.7), dbSNP rs919541697, ClinGen allele CA170445708.

ClinVar aggregate classification (germline): Uncertain significance. Review status: criteria provided, multiple submitters, no conflicts (2 of 4 stars). 3 submissions from 3 submitters: Uncertain significance (2). 1 of the submissions does not count toward it. Last evaluated 2021-08-31.

Conditions:
Neuronal ceroid lipofuscinosis. Also called: Neuronal Ceroid Lipofuscinoses. Identifiers: Orphanet 216, Orphanet 79263, MedGen C0027877, MONDO:0016295. Disease mechanism: loss of function.
Neuronal ceroid lipofuscinosis 8 (CLN8). Also called: CLN8-Related Neuronal Ceroid-Lipofuscinosis. Identifiers: Orphanet 168491, Orphanet 228354, Orphanet 79264, MedGen C1838570, MONDO:0010830, OMIM 600143.

Allele frequency attached by ClinVar (database versions not stated): gnomAD exomes below 0.00001; gnomAD 0.00002; TOPMed 0.00003.
gnomAD v4.1: 5 of 1,614,074 alleles (0.00031%); highest among the groups gnomAD compares: African/African-American, 0.0067%; no homozygotes.

Submissions (3):

Labcorp Genetics (formerly Invitae), Labcorp
Classification: Uncertain significance for Neuronal ceroid lipofuscinosis. Last evaluated: 2021-08-31. Review status: criteria provided, single submitter. Criteria: Invitae Variant Classification Sherloc (09022015). Collection method: clinical testing. Allele origin: germline.
Comment: This sequence change replaces proline with arginine at codon 89 of the CLN8 protein (p.Pro89Arg). The proline residue is highly conserved and there is a moderate physicochemical difference between proline and arginine. This variant is not present in population databases (ExAC no frequency). This variant has not been reported in the literature in individuals affected with CLN8-related conditions. ClinVar contains an entry for this variant (Variation ID: 450951). Algorithms developed to predict the effect of missense changes on protein structure and function are either unavailable or do not agree on the potential impact of this missense change (SIFT: "Deleterious"; PolyPhen-2: "Benign"; Align-GVGD: "Class C0"). In summary, the available evidence is currently insufficient to determine the role of this variant in disease. Therefore, it has been classified as a Variant of Uncertain Significance.

GeneDx
Classification: Uncertain significance. Last evaluated: 2017-07-28. Review status: criteria provided, single submitter. Criteria: GeneDx Variant Classification (06012015). Collection method: clinical testing. Allele origin: germline. Affected: yes.
Comment: A variant of uncertain significance has been identified in the CLN8 gene. The P89R variant has not been published as a pathogenic variant, nor has it been reported as a benign variant to our knowledge. The P89R variant is not observed in large population cohorts (Lek et al., 2016; 1000 Genomes Consortium et al., 2015; Exome Variant Server). The P89R variant is a non-conservative amino acid substitution, which is likely to impact secondary protein structure as these residues differ in polarity, charge, size and/or other properties. This substitution occurs at a position that is conserved in mammals and in silico analysis predicts this variant is probably damaging to the protein structure/function. However, missense variants in nearby residues have not been reported in Human Gene Mutation Database in association with autosomal recessive variant late-infantile neuronal ceroid lipofuscinosis (vLINCL) (Stenson et al., 2014). Therefore, based on the currently available information, it is unclear whether this variant is a pathogenic variant or a rare benign variant.

Natera, Inc.
Classification: Uncertain significance for Neuronal ceroid lipofuscinosis 8. Last evaluated: 2020-08-31. Review status: no assertion criteria provided. Collection method: clinical testing. Allele origin: germline. Not counted in ClinVar's aggregate classification.